The following is an entry in ClinVar:

NM_015107.3(PHF8):c.1137T>C (p.Phe379=)

Gene: PHF8 (PHD finger protein 8; minus strand). Cytogenetic location: Xp11.22.
Variant type: single nucleotide variant.
Coding change: c.1137T>C on transcript NM_015107.3 (MANE Select); coding-DNA position 1137, T replaced by C.
Protein change: p.Phe379=; no amino-acid change (phenylalanine 379 retained).
Molecular consequence: synonymous variant.
Genome position (GRCh38, 1-based): chrX:54,002,159, A>G on the plus strand (T>C on the coding strand, the complement: PHF8 is on the minus strand). VCF-style: chrX-54002159-A-G. GRCh37 (hg19) VCF-style: chrX-54028592-A-G.
Other names: c.1245T>C, p.Phe415= (NM_001184896.1); c.1137T>C, p.Phe379= (NM_001184897.2, NM_001184898.2).
Identifiers: ClinVar variation 4056713 (VCV004056713.1).
Genomic context (GRCh38, chrX:54,002,159, plus strand): 5'-TACTCATTCACTCAGGGGAGAGGGGCAAAAAGGACAGTTGGCAAAGGGCTCCATACCGCG[A>G]AAGATGTCCAGGATGTGCTTTCCCACATACCAACAGATGGTCTCAAAGTTGGGGAATCTG-3'
Protein context (NP_055922.1, residues 369-389): WYVGKHILDI[Phe379=]RGLRENRRHP

ClinVar aggregate classification (germline): Uncertain significance (1 of 4 stars; one submission).

Conditions:
Intellectual developmental disorder, X-linked, syndromic, Siderius type. Also called: Syndromic X-linked intellectual disability Siderius type. Identifiers: Orphanet 85287, MedGen C1846055, MONDO:0010286, OMIM 300263.

Submission:

Laboratorio de Genetica e Diagnostico Molecular, Hospital Israelita Albert Einstein
Classification: Uncertain significance for Intellectual developmental disorder, X-linked, syndromic, Siderius type. Last evaluated: 2024-03-08. Review status: criteria provided, single submitter. Criteria: ACMG Guidelines, 2015. Collection method: clinical testing. Allele origin: germline. Affected: yes.
Comment: ACMG classification criteria: PM2 supporting